The following is an entry in ClinVar:

ClinVar aggregate classification (germline): Uncertain significance (1 of 4 stars; one submission).

Allele frequency attached by ClinVar (database versions not stated): TOPMed 0.00001.
gnomAD v4.1: 1 of 1,613,704 alleles (0.000062%); highest among the groups gnomAD compares: Admixed American, 0.0017%; no homozygotes.

Submission:

Labcorp Genetics (formerly Invitae), Labcorp
Classification: Uncertain significance. Last evaluated: 2025-12-26. Review status: criteria provided, single submitter. Criteria: Invitae Variant Classification Sherloc (09022015). Collection method: clinical testing. Allele origin: germline.
Comment: This sequence change replaces threonine, which is neutral and polar, with asparagine, which is neutral and polar, at codon 242 of the ITGAM protein (p.Thr242Asn). This variant is not present in population databases (gnomAD no frequency). This variant has not been reported in the literature in individuals affected with ITGAM-related conditions. ClinVar contains an entry for this variant (Variation ID: 1403129). An algorithm developed to predict the effect of missense changes on protein structure and function outputs the following: PolyPhen-2: "Benign". The asparagine amino acid residue is found in multiple mammalian species, which suggests that this missense change does not adversely affect protein function. In summary, the available evidence is currently insufficient to determine the role of this variant in disease. Therefore, it has been classified as a Variant of Uncertain Significance.

NM_000632.4(ITGAM):c.725C>A (p.Thr242Asn)

Genes: ITGAM (integrin subunit alpha M; plus strand), LOC126862332 (BRD4-independent group 4 enhancer GRCh37_chr16:31284654-31285853; plus strand). Cytogenetic location: 16p11.2.
Variant type: single nucleotide variant.
Coding change: c.725C>A on transcript NM_000632.4 (MANE Select); coding-DNA position 725, C replaced by A.
Protein change: p.Thr242Asn; replaces threonine 242 with asparagine.
Molecular consequence: missense variant.
Genome position (GRCh38, 1-based): chr16:31,273,385, C>A. VCF-style: chr16-31273385-C-A. GRCh37 (hg19) VCF-style: chr16-31284706-C-A.
Other names: c.725C>A, p.Thr242Asn (NM_001145808.2); short protein forms T242N.
Identifiers: ClinVar variation 1403129 (VCV001403129.8), dbSNP rs749972434, ClinGen allele CA395693914.